The following is an entry in ClinVar:

ClinVar aggregate classification (germline): Uncertain significance. Review status: criteria provided, multiple submitters, no conflicts (2 of 4 stars). 2 submissions from 2 submitters: Uncertain significance (2). Last evaluated 2026-02-27.

Conditions:
MAGEL2-related disorder. Also called: MAGEL2-related condition.

Allele frequency attached by ClinVar (database versions not stated): gnomAD exomes below 0.00001; TOPMed 0.00001.

Submissions (2):

PreventionGenetics, part of Exact Sciences
Classification: Uncertain significance for MAGEL2-related condition. Last evaluated: 2026-02-27. Review status: criteria provided, single submitter. Criteria: ACMG Guidelines, 2015. Collection method: clinical testing. Allele origin: germline.
Comment: The MAGEL2 c.2689G>C variant is predicted to result in the amino acid substitution p.Asp897His. To our knowledge, this variant has not been reported in the literature or in a large population database (gnomAD), indicating this variant is rare. At this time, the clinical significance of this variant is uncertain due to the absence of conclusive functional and genetic evidence.

GeneDx
Classification: Uncertain significance. Last evaluated: 2024-04-30. Review status: criteria provided, single submitter. Criteria: GeneDx Variant Classification Process June 2021. Collection method: clinical testing. Allele origin: germline.
Comment: Not observed at significant frequency in large population cohorts (gnomAD); In silico analysis indicates that this missense variant does not alter protein structure/function; Has not been previously published as pathogenic or benign to our knowledge

NM_019066.5(MAGEL2):c.2689G>C (p.Asp897His)

Gene: MAGEL2 (MAGE family member L2; minus strand). Cytogenetic location: 15q11.2.
Variant type: single nucleotide variant.
Coding change: c.2689G>C on transcript NM_019066.5 (MANE Select); coding-DNA position 2689, G replaced by C.
Protein change: p.Asp897His; replaces aspartic acid 897 with histidine.
Molecular consequence: missense variant.
Genome position (GRCh38, 1-based): chr15:23,645,054, C>G on the plus strand (G>C on the coding strand, the complement: MAGEL2 is on the minus strand). VCF-style: chr15-23645054-C-G. GRCh37 (hg19) VCF-style: chr15-23890201-C-G.
Other names: short protein forms D897H.
Identifiers: ClinVar variation 1803452 (VCV001803452.3), dbSNP rs1890363903, ClinGen allele CA391330506.